The following is an entry in ClinVar:

NM_000368.5(TSC1):c.1680_1702dup (p.Gly568fs)

Gene: TSC1 (TSC complex subunit 1; minus strand). Cytogenetic location: 9q34.13.
Variant type: Duplication.
Coding change: c.1680_1702dup on transcript NM_000368.5 (MANE Select); coding-DNA positions 1680 to 1702, 23 bases duplicated (CAGTGCTGATGAAAGCCCTGCGG).
Protein change: p.Gly568fs; shifts the reading frame from glycine 568.
Molecular consequence: frameshift variant.
Genome position (GRCh38, 1-based): chr9:132,905,876-132,905,898, CCGCAGGGCTTTCATCAGCACTG duplicated on the plus strand (CAGTGCTGATGAAAGCCCTGCGG on the coding strand, the reverse complement: TSC1 is on the minus strand); duplicating any 23 consecutive bases within chr9:132,905,876-132,905,907 gives the same sequence; the c. name uses the placement nearest the transcript's 3' end. VCF-style (leftmost placement, unchanged base first): chr9-132905875-C-CCCGCAGGGCTTTCATCAGCACTG. GRCh37 (hg19) VCF-style: chr9-135781262-C-CCCGCAGGGCTTTCATCAGCACTG.
Other names: c.1677_1699dup, p.Gly567fs (NM_001162426.2); c.1527_1549dup, p.Gly517fs (NM_001162427.2); c.1317_1339dup, p.Gly447fs (NM_001362177.2); short protein forms G567fs, G568fs, G447fs, G517fs.
Identifiers: ClinVar variation 48813 (VCV000048813.9), dbSNP rs118203557, ClinGen allele CA262182.

ClinVar aggregate classification (germline): Pathogenic/Likely pathogenic. Review status: criteria provided, multiple submitters, no conflicts (2 of 4 stars). 3 submissions from 3 submitters: Pathogenic (1); Likely pathogenic (1). 1 of the submissions does not count toward it. Last evaluated 2023-04-17.

Conditions:
Tuberous sclerosis syndrome (TSC). Also called: Tuberous Sclerosis Complex; Tuberous sclerosis. Identifiers: Orphanet 805, MedGen C0041341, MONDO:0001734.
Tuberous sclerosis 1 (TSC1). Identifiers: Orphanet 805, MedGen C1854465, MONDO:0008612, OMIM 191100.

Submissions (3):

Clinical Genetics Laboratory, Skane University Hospital Lund
Classification: Likely pathogenic. Last evaluated: 2023-04-17. Review status: criteria provided, single submitter. Criteria: ACMG Guidelines, 2015. Collection method: clinical testing. Allele origin: germline. Affected: yes.

Labcorp Genetics (formerly Invitae), Labcorp
Classification: Pathogenic for Tuberous sclerosis 1. Last evaluated: 2020-09-25. Review status: criteria provided, single submitter. Criteria: Invitae Variant Classification Sherloc (09022015). Collection method: clinical testing. Allele origin: germline.
Comment: For these reasons, this variant has been classified as Pathogenic. Loss-of-function variants in TSC1 are known to be pathogenic (PMID: 10227394, 17304050). This variant has been observed in individual(s) with tuberous sclerosis complex (PMID: 10340649, 16114042). In at least one individual the variant was observed to be de novo. ClinVar contains an entry for this variant (Variation ID: 48813). This variant is not present in population databases (ExAC no frequency). This sequence change creates a premature translational stop signal (p.Gly568Alafs*69) in the TSC1 gene. It is expected to result in an absent or disrupted protein product.

Tuberous sclerosis database (TSC1)
No classification provided. Condition: TSC. Review status: no classification provided. Criteria: Tuberous Sclerosis Database Assertion Criteria 2015. Collection method: curation. Allele origin: germline. Affected: yes. Not counted in ClinVar's aggregate classification.

Literature cited by the submitters: PubMed 10227394 (cited by Labcorp Genetics (formerly Invitae), Labcorp); PubMed 17304050 (cited by Labcorp Genetics (formerly Invitae), Labcorp); PubMed 10340649 (cited by Labcorp Genetics (formerly Invitae), Labcorp); PubMed 16114042 (cited by Labcorp Genetics (formerly Invitae), Labcorp).